The following is an entry in ClinVar:

ClinVar aggregate classification (germline): Uncertain significance (1 of 4 stars; one submission).

Conditions:
Osteogenesis imperfecta type I (OI1). Also called: OI, TYPE I; OSTEOGENESIS IMPERFECTA TARDA; OSTEOGENESIS IMPERFECTA WITH BLUE SCLERAE; Osteogenesis imperfecta type 1; Lobstein's Disease; Lobstein disease. Identifiers: Orphanet 216796, Orphanet 666, MedGen C0023931, MONDO:0008146, OMIM 166200. Disease mechanism: loss of function.

Submission:

Labcorp Genetics (formerly Invitae), Labcorp
Classification: Uncertain significance for Osteogenesis imperfecta type I. Last evaluated: 2024-12-12. Review status: criteria provided, single submitter. Criteria: Invitae Variant Classification Sherloc (09022015). Collection method: clinical testing. Allele origin: germline.
Comment: This sequence change replaces proline, which is neutral and non-polar, with serine, which is neutral and polar, at codon 87 of the COL1A1 protein (p.Pro87Ser). This variant is not present in population databases (gnomAD no frequency). This variant has not been reported in the literature in individuals affected with COL1A1-related conditions. Invitae Evidence Modeling of protein sequence and biophysical properties (such as structural, functional, and spatial information, amino acid conservation, physicochemical variation, residue mobility, and thermodynamic stability) indicates that this missense variant is not expected to disrupt COL1A1 protein function with a negative predictive value of 95%. In summary, the available evidence is currently insufficient to determine the role of this variant in disease. Therefore, it has been classified as a Variant of Uncertain Significance.

NM_000088.4(COL1A1):c.259C>T (p.Pro87Ser)

Gene: COL1A1 (collagen type I alpha 1 chain; minus strand). Cytogenetic location: 17q21.33.
Variant type: single nucleotide variant.
Coding change: c.259C>T on transcript NM_000088.4 (MANE Select); coding-DNA position 259, C replaced by T.
Protein change: p.Pro87Ser; replaces proline 87 with serine.
Molecular consequence: missense variant.
Genome position (GRCh38, 1-based): chr17:50,199,792, G>A on the plus strand (C>T on the coding strand, the complement: COL1A1 is on the minus strand). VCF-style: chr17-50199792-G-A. GRCh37 (hg19) VCF-style: chr17-48277153-G-A.
Other names: short protein forms P87S.
Identifiers: ClinVar variation 3671601 (VCV003671601.2).